The following is an entry in ClinVar:

NM_000075.4(CDK4):c.805G>A (p.Ala269Thr)

Genes: TSPAN31 (tetraspanin 31; plus strand), CDK4 (cyclin dependent kinase 4; minus strand). Cytogenetic location: 12q14.1.
Variant type: single nucleotide variant.
Coding change: c.805G>A on transcript NM_000075.4 (MANE Select); coding-DNA position 805, G replaced by A.
Protein change: p.Ala269Thr; replaces alanine 269 with threonine.
Molecular consequence: missense variant. On other transcripts: 3 prime UTR variant (3).
Genome position (GRCh38, 1-based): chr12:57,749,196, C>T on the plus strand (G>A on the coding strand, the complement: CDK4 is on the minus strand). VCF-style: chr12-57749196-C-T. GRCh37 (hg19) VCF-style: chr12-58142979-C-T.
Other names: c.*1906C>T (NM_001330168.2, NM_001330169.2, NM_005981.5); short protein forms A269T.
Identifiers: ClinVar variation 186377 (VCV000186377.14), dbSNP rs786202902, ClinGen allele CA194658.

ClinVar aggregate classification (germline): Uncertain significance. Review status: criteria provided, multiple submitters, no conflicts (2 of 4 stars). 3 submissions from 3 submitters: Uncertain significance (2). 1 of the submissions does not count toward it. Last evaluated 2025-03-13.

Conditions:
Familial melanoma. Also called: Hereditary melanoma; Hereditary cutaneous melanoma. Identifiers: Orphanet 618, MedGen C1512419, MONDO:0018961.
Hereditary cancer-predisposing syndrome. Also called: Neoplastic Syndromes, Hereditary; Tumor predisposition; Hereditary Cancer Syndrome; Hereditary neoplastic syndrome. Identifiers: Orphanet 140162, MedGen C0027672, MeSH D009386, MONDO:0015356.

Allele frequency attached by ClinVar (database versions not stated): gnomAD exomes below 0.00001.
gnomAD v4.1: 1 of 1,614,024 alleles (0.000062%); highest among the groups gnomAD compares: Non-Finnish European, 0.000085%; no homozygotes.

Submissions (3):

Labcorp Genetics (formerly Invitae), Labcorp
Classification: Uncertain significance for Familial melanoma. Last evaluated: 2025-03-13. Review status: criteria provided, single submitter. Criteria: Invitae Variant Classification Sherloc (09022015). Collection method: clinical testing. Allele origin: germline.
Comment: This sequence change replaces alanine, which is neutral and non-polar, with threonine, which is neutral and polar, at codon 269 of the CDK4 protein (p.Ala269Thr). This variant is not present in population databases (gnomAD no frequency). This variant has not been reported in the literature in individuals affected with CDK4-related conditions. ClinVar contains an entry for this variant (Variation ID: 186377). Invitae Evidence Modeling of protein sequence and biophysical properties (such as structural, functional, and spatial information, amino acid conservation, physicochemical variation, residue mobility, and thermodynamic stability) indicates that this missense variant is not expected to disrupt CDK4 protein function with a negative predictive value of 95%. In summary, the available evidence is currently insufficient to determine the role of this variant in disease. Therefore, it has been classified as a Variant of Uncertain Significance.

Ambry Genetics
Classification: Uncertain significance for Hereditary cancer-predisposing syndrome. Last evaluated: 2024-11-25. Review status: criteria provided, single submitter. Criteria: Ambry Variant Classification Scheme 2023. Collection method: clinical testing. Allele origin: germline.
Comment: The p.A269T variant (also known as c.805G>A), located in coding exon 6 of the CDK4 gene, results from a G to A substitution at nucleotide position 805. The alanine at codon 269 is replaced by threonine, an amino acid with similar properties. This amino acid position is highly conserved on limited sequence alignment. In addition, this alteration is predicted to be tolerated by in silico analysis. Since supporting evidence is limited at this time, the clinical significance of this alteration remains unclear.

True Health Diagnostics
Classification: Uncertain significance for Hereditary cancer-predisposing syndrome. Last evaluated: 2017-12-29. Review status: no assertion criteria provided. Collection method: clinical testing. Allele origin: germline. Not counted in ClinVar's aggregate classification.